The following is an entry in ClinVar:

ClinVar aggregate classification (germline): Conflicting classifications of pathogenicity. Review status: criteria provided, conflicting classifications (1 of 4 stars). 4 submissions from 4 submitters: Uncertain significance (1); Benign (1); Likely benign (2). Last evaluated 2026-05-19.

Conditions:
Classic or attenuated familial adenomatous polyposis. Identifiers: MedGen CN372698, MONDO:0021057.
Hereditary cancer-predisposing syndrome. Also called: Neoplastic Syndromes, Hereditary; Tumor predisposition; Hereditary Cancer Syndrome; Hereditary neoplastic syndrome. Identifiers: Orphanet 140162, MedGen C0027672, MeSH D009386, MONDO:0015356.
Familial adenomatous polyposis 1 (FAP1). Also called: FAMILIAL ADENOMATOUS POLYPOSIS 1, ATTENUATED; POLYPOSIS, ADENOMATOUS INTESTINAL. Identifiers: MedGen C2713442, MONDO:0021056, OMIM 175100. Disease mechanism: loss of function.

Submissions (4):

Ambry Genetics
Classification: Likely benign for Hereditary cancer-predisposing syndrome. Last evaluated: 2026-05-19. Review status: criteria provided, single submitter. Criteria: Ambry Variant Classification Scheme 2023. Collection method: clinical testing. Allele origin: germline.

Myriad Genetics, Inc.
Classification: Benign for Familial adenomatous polyposis 1. Last evaluated: 2024-03-22. Review status: criteria provided, single submitter. Criteria: Myriad Autosomal Dominant, Autosomal Recessive and X-Linked Classification Criteria (2023). Collection method: clinical testing. Allele origin: unknown.
Comment: This variant is considered benign. This variant is a silent/synonymous amino acid change and it is not expected to impact splicing.

Labcorp Genetics (formerly Invitae), Labcorp
Classification: Likely benign for Familial adenomatous polyposis 1. Last evaluated: 2023-06-23. Review status: criteria provided, single submitter. Criteria: Invitae Variant Classification Sherloc (09022015). Collection method: clinical testing. Allele origin: germline.

All of Us Research Program, National Institutes of Health
Classification: Uncertain significance for Classic or attenuated familial adenomatous polyposis. Last evaluated: 2023-04-03. Review status: criteria provided, single submitter. Criteria: ACMG Guidelines, 2015. Collection method: clinical testing. Allele origin: germline. Inheritance: Autosomal dominant inheritance. Observed: 1 variant allele, 1 heterozygote.
Comment: This variant is located in the APC protein. To our knowledge, functional studies have not been reported for this variant. This variant has not been reported in individuals affected with APC-related disorders in the literature. This variant has not been identified in the general population by the Genome Aggregation Database (gnomAD). The available evidence is insufficient to determine the role of this variant in disease conclusively. Therefore, this variant is classified as a Variant of Uncertain Significance.

This study involves interpretation of variants in research participants for the purpose of population health screening. Participant phenotype was not available at the time of variant classification. Additional details can be found in publication PMID: 35346344, PMCID: PMC8962531

NM_000038.6(APC):c.3915A>G (p.Ala1305=)

Gene: APC (APC regulator of Wnt signaling pathway; plus strand). Cytogenetic location: 5q22.2.
Variant type: single nucleotide variant.
Coding change: c.3915A>G on transcript NM_000038.6 (MANE Select); coding-DNA position 3915, A replaced by G.
Protein change: p.Ala1305=; no amino-acid change (alanine 1305 retained).
Molecular consequence: synonymous variant. On other transcripts: non-coding transcript variant (2).
Genome position (GRCh38, 1-based): chr5:112,839,509, A>G. VCF-style: chr5-112839509-A-G. GRCh37 (hg19) VCF-style: chr5-112175206-A-G.
Other names: c.3915A>G (NM_000038.5); c.3915A>G, p.Ala1305= (NM_001127510.3, NM_001354895.2, NM_001407450.1); c.3861A>G, p.Ala1287= (NM_001127511.3); c.3969A>G, p.Ala1323= (NM_001354896.2, NM_001407447.1, NM_001407448.1 and 1 more transcripts); c.3945A>G, p.Ala1315= (NM_001354897.2); c.3840A>G, p.Ala1280= (NM_001354898.2); c.3831A>G, p.Ala1277= (NM_001354899.2); c.3792A>G, p.Ala1264= (NM_001354900.2); and 12 more.
Identifiers: ClinVar variation 2072479 (VCV002072479.7), dbSNP rs2149901988, ClinGen allele CA445963871.